The following is an entry in ClinVar:

ClinVar aggregate classification (germline): Uncertain significance (1 of 4 stars; one submission).

Allele frequency attached by ClinVar (database versions not stated): gnomAD exomes below 0.00001 and 0.00001; ExAC 0.00001; gnomAD 0.00001; TOPMed 0.00001; ESP Exome Variant Server 0.00008.
gnomAD v4.1: 7 of 1,613,954 alleles (0.00043%); highest among the groups gnomAD compares: East Asian, 0.0022%; no homozygotes.

Submission:

Labcorp Genetics (formerly Invitae), Labcorp
Classification: Uncertain significance. Last evaluated: 2021-09-04. Review status: criteria provided, single submitter. Criteria: Invitae Variant Classification Sherloc (09022015). Collection method: clinical testing. Allele origin: germline.
Comment: This sequence change replaces arginine with glutamine at codon 177 of the CAD protein (p.Arg177Gln). The arginine residue is moderately conserved and there is a small physicochemical difference between arginine and glutamine. This variant is present in population databases (rs374122292, ExAC 0.001%). This variant has not been reported in the literature in individuals affected with CAD-related conditions. Algorithms developed to predict the effect of missense changes on protein structure and function (SIFT, PolyPhen-2, Align-GVGD) all suggest that this variant is likely to be tolerated. Algorithms developed to predict the effect of sequence changes on RNA splicing suggest that this variant may create or strengthen a splice site. In summary, the available evidence is currently insufficient to determine the role of this variant in disease. Therefore, it has been classified as a Variant of Uncertain Significance.

NM_004341.5(CAD):c.530G>A (p.Arg177Gln)

Gene: CAD (carbamoyl-phosphate synthetase 2, aspartate transcarbamylase, and dihydroorotase; plus strand). Cytogenetic location: 2p23.3.
Variant type: single nucleotide variant.
Coding change: c.530G>A on transcript NM_004341.5 (MANE Select); coding-DNA position 530, G replaced by A.
Protein change: p.Arg177Gln; replaces arginine 177 with glutamine.
Molecular consequence: missense variant.
Genome position (GRCh38, 1-based): chr2:27,222,553, G>A. VCF-style: chr2-27222553-G-A. GRCh37 (hg19) VCF-style: chr2-27445421-G-A.
Other names: c.530G>A, p.Arg177Gln (NM_001306079.2); short protein forms R177Q.
Identifiers: ClinVar variation 1495138 (VCV001495138.3), dbSNP rs374122292, ClinGen allele CA1572459.